The following is an entry in ClinVar:

ClinVar aggregate classification (germline): Uncertain significance (1 of 4 stars; one submission).

Conditions:
Inborn genetic diseases. Identifiers: MedGen C0950123, MeSH D030342.

Submission:

Ambry Genetics
Classification: Uncertain significance for Inborn genetic diseases. Last evaluated: 2026-01-06. Review status: criteria provided, single submitter. Criteria: Ambry Variant Classification Scheme 2023. Collection method: clinical testing. Allele origin: germline.
Comment: The p.P845S variant (also known as c.2533C>T), located in coding exon 17 of the MIB1 gene, results from a C to T substitution at nucleotide position 2533. The proline at codon 845 is replaced by serine, an amino acid with similar properties. This amino acid position is conserved. In addition, the in silico prediction for this alteration is inconclusive. Based on the available evidence, the clinical significance of this variant remains unclear.

NM_020774.4(MIB1):c.2533C>T (p.Pro845Ser)

Gene: MIB1 (MIB E3 ubiquitin protein ligase 1; plus strand). Cytogenetic location: 18q11.2.
Variant type: single nucleotide variant.
Coding change: c.2533C>T on transcript NM_020774.4 (MANE Select); coding-DNA position 2533, C replaced by T.
Protein change: p.Pro845Ser; replaces proline 845 with serine.
Molecular consequence: missense variant.
Genome position (GRCh38, 1-based): chr18:21,849,335, C>T. VCF-style: chr18-21849335-C-T. GRCh37 (hg19) VCF-style: chr18-19429296-C-T.
Other names: short protein forms P845S.
Identifiers: ClinVar variation 4841897 (VCV004841897.1).